The following is an entry in ClinVar:

NM_001042492.3(NF1):c.5219T>G (p.Phe1740Cys)

Gene: NF1 (neurofibromin 1; plus strand). Cytogenetic location: 17q11.2.
Variant type: single nucleotide variant.
Coding change: c.5219T>G on transcript NM_001042492.3 (MANE Select); coding-DNA position 5219, T replaced by G.
Protein change: p.Phe1740Cys; replaces phenylalanine 1740 with cysteine.
Molecular consequence: missense variant.
Genome position (GRCh38, 1-based): chr17:31,326,203, T>G. VCF-style: chr17-31326203-T-G. GRCh37 (hg19) VCF-style: chr17-29653221-T-G.
Other names: c.5156T>G, p.Phe1719Cys (NM_000267.4); short protein forms F1740C, F1719C.
Identifiers: ClinVar variation 3634569 (VCV003634569.2).
Genomic context (GRCh38, chr17:31,326,203, plus strand): 5'-AGCATGAACAACAGAAACTACCTGCTGCCACCTTGGCTTTAGAAGAGGACCTGAAGGTAT[T>G]CCACAATGCTCTCAAGCTAGCTCACAAAGACACCAAAGTTTCTATTAAAGTAAGTTCCAG-3'
Protein context (NP_001035957.1, residues 1730-1750): TLALEEDLKV[Phe1740Cys]HNALKLAHKD

ClinVar aggregate classification (germline): Uncertain significance (1 of 4 stars; one submission).

Conditions:
Neurofibromatosis, type 1 (NF1). Also called: VON RECKLINGHAUSEN DISEASE; Peripheral type neurofibromatosis; NEUROFIBROMATOSIS, TYPE I, SOMATIC; Neurofibromatosis, type I. Identifiers: Orphanet 636, MedGen C0027831, MONDO:0018975, OMIM 162200. Disease mechanism: loss of function.

Submission:

Labcorp Genetics (formerly Invitae), Labcorp
Classification: Uncertain significance for Neurofibromatosis, type 1. Last evaluated: 2024-06-26. Review status: criteria provided, single submitter. Criteria: Invitae Variant Classification Sherloc (09022015). Collection method: clinical testing. Allele origin: germline.
Comment: This sequence change replaces phenylalanine, which is neutral and non-polar, with cysteine, which is neutral and slightly polar, at codon 1719 of the NF1 protein (p.Phe1719Cys). This variant is not present in population databases (gnomAD no frequency). This variant has not been reported in the literature in individuals affected with NF1-related conditions. Advanced modeling of protein sequence and biophysical properties (such as structural, functional, and spatial information, amino acid conservation, physicochemical variation, residue mobility, and thermodynamic stability) performed at Invitae indicates that this missense variant is expected to disrupt NF1 protein function with a positive predictive value of 95%. Algorithms developed to predict the effect of sequence changes on RNA splicing suggest that this variant may disrupt the consensus splice site. In summary, the available evidence is currently insufficient to determine the role of this variant in disease. Therefore, it has been classified as a Variant of Uncertain Significance.